The following is an entry in ClinVar:

ClinVar aggregate classification (germline): Conflicting classifications of pathogenicity. Review status: criteria provided, conflicting classifications (1 of 4 stars). 6 submissions from 6 submitters: Uncertain significance (4); Likely benign (2). Last evaluated 2025-05-25.

Conditions:
Hereditary cancer-predisposing syndrome. Also called: Tumor predisposition; Neoplastic Syndromes, Hereditary; Hereditary Cancer Syndrome; Hereditary neoplastic syndrome. Identifiers: Orphanet 140162, MedGen C0027672, MeSH D009386, MONDO:0015356.
Hereditary breast ovarian cancer syndrome. Also called: Hereditary breast and ovarian cancer; Breast and ovarian cancer; Hereditary breast and/or ovarian cancer syndrome; Hereditary breast and ovarian cancer syndrome (HBOC); BRCA1- and BRCA2-Associated Hereditary Breast and Ovarian Cancer; Hereditary breast and ovarian cancer syndrome. Identifiers: Orphanet 145, MedGen C0677776, MeSH D061325, MONDO:0003582. Disease mechanism: loss of function.
Breast-ovarian cancer, familial, susceptibility to, 2 (BROVCA2). Also called: BRCA2 Hereditary Breast and Ovarian Cancer. Identifiers: Orphanet 145, MedGen C2675520, MONDO:0012933, OMIM 612555. Disease mechanism: loss of function.

Allele frequency attached by ClinVar (database versions not stated): gnomAD exomes below 0.00001; TOPMed below 0.00001; gnomAD 0.00001.
gnomAD v4.1: 3 of 1,613,478 alleles (0.00019%); highest among the groups gnomAD compares: East Asian, 0.0045%; no homozygotes.

Submissions (6):

Labcorp Genetics (formerly Invitae), Labcorp
Classification: Uncertain significance for Hereditary breast ovarian cancer syndrome. Last evaluated: 2025-05-25. Review status: criteria provided, single submitter. Criteria: Invitae Variant Classification Sherloc (09022015). Collection method: clinical testing. Allele origin: germline.
Comment: This sequence change replaces serine, which is neutral and polar, with proline, which is neutral and non-polar, at codon 2041 of the BRCA2 protein (p.Ser2041Pro). This variant is not present in population databases (gnomAD no frequency). This missense change has been observed in individual(s) with breast cancer and/or prostate cancer (PMID: 30287823, 31214711). ClinVar contains an entry for this variant (Variation ID: 479375). Invitae Evidence Modeling of protein sequence and biophysical properties (such as structural, functional, and spatial information, amino acid conservation, physicochemical variation, residue mobility, and thermodynamic stability) indicates that this missense variant is not expected to disrupt BRCA2 protein function with a negative predictive value of 95%. In summary, the available evidence is currently insufficient to determine the role of this variant in disease. Therefore, it has been classified as a Variant of Uncertain Significance.

Ambry Genetics
Classification: Likely benign for Hereditary cancer-predisposing syndrome. Last evaluated: 2024-03-21. Review status: criteria provided, single submitter. Criteria: Ambry Variant Classification Scheme 2023. Collection method: clinical testing. Allele origin: germline.

All of Us Research Program, National Institutes of Health
Classification: Uncertain significance for Breast-ovarian cancer, familial, susceptibility to, 2. Last evaluated: 2023-11-20. Review status: criteria provided, single submitter. Criteria: ACMG Guidelines, 2015. Collection method: clinical testing. Allele origin: germline. Inheritance: Autosomal dominant inheritance. Observed: 2 variant alleles, 2 heterozygotes.
Comment: This missense variant replaces serine with proline at codon 2041 of the BRCA2 protein. Computational prediction suggests that this variant may not impact protein structure and function (internally defined REVEL score threshold <= 0.5, PMID: 27666373). A functional study has shown this variant does not impact sensitivity to PARP inhibitors (PMID: 32444794). This variant has been reported in 2 large case-control studies conducted in Japan: in a breast cancer case-control study this variant was observed in 5/7051 female breast cancer cases and 2/11241 female controls (OR=3.98648958965291; 95% CI: 0.7-41.9) (PMID: 30287823), and in a prostate cancer case-control study this variant was observed in 1/12366 controls and 1/7636 cases (p value=1.00, OR =1.62; 95% CI: 0.02-127.01) (PMID: 31214711). This variant has not been identified in the general population by the Genome Aggregation Database (gnomAD). The available evidence is insufficient to determine the role of this variant in disease conclusively. Therefore, this variant is classified as a Variant of Uncertain Significance.

This study involves interpretation of variants in research participants for the purpose of population health screening. Participant phenotype was not available at the time of variant classification. Additional details can be found in publication PMID: 35346344, PMCID: PMC8962531

University of Washington Department of Laboratory Medicine, University of Washington
Classification: Likely benign for Hereditary cancer-predisposing syndrome. Last evaluated: 2023-03-23. Review status: criteria provided, single submitter. Criteria: Dines et al. (Genet Med. 2020). Collection method: curation. Allele origin: germline.
Comment: Missense variant in a coldspot region where missense variants are very unlikely to be pathogenic (PMID:31911673).

BRCA2 exon 11 coldspot. Reclassification based on statistical prior probability.

GeneDx
Classification: Uncertain significance. Last evaluated: 2021-02-19. Review status: criteria provided, single submitter. Criteria: GeneDx Variant Classification Process June 2021. Collection method: clinical testing. Allele origin: germline. Affected: yes.
Comment: Observed in breast cancer cases but also in controls (Momozawa 2018); In silico analysis supports that this missense variant does not alter protein structure/function; Not observed in large population cohorts (Lek 2016); Also known as 6349T>C; This variant is associated with the following publications: (PMID: 30287823)

Women's Health and Genetics/Laboratory Corporation of America, LabCorp
Classification: Uncertain significance. Last evaluated: 2019-07-22. Review status: criteria provided, single submitter. Criteria: LabCorp Variant Classification Summary - May 2015. Collection method: clinical testing. Allele origin: germline.
Comment: Variant summary: BRCA2 c.6121T>C (p.Ser2041Pro) results in a non-conservative amino acid change in the encoded protein sequence. Four of five in-silico tools predict a benign effect of the variant on protein function. The variant was absent in 250808 control chromosomes (gnomAD). The available data on variant occurrences in the general population are insufficient to allow any conclusion about variant significance. The variant, c.6121T>C, has been reported in the literature in individuals affected with breast cancer and healthy controls (Momozawa_2018). The report does not provide unequivocal conclusions about association of the variant with Hereditary Breast and Ovarian Cancer. To our knowledge, no experimental evidence demonstrating an impact on protein function has been reported. One ClinVar submission (evaluation after 2014) cited the variant as uncertain significance. Based on the evidence outlined above, the variant was classified as uncertain significance.

Literature cited by the submitters: PubMed 30287823 (cited by 4 submitters); PubMed 31214711 (cited by Labcorp Genetics (formerly Invitae), Labcorp and All of Us Research Program, National Institutes of Health); PubMed 32444794 (cited by All of Us Research Program, National Institutes of Health).

NM_000059.4(BRCA2):c.6121T>C (p.Ser2041Pro)

Gene: BRCA2 (BRCA2 DNA repair associated; plus strand). Cytogenetic location: 13q13.1.
Variant type: single nucleotide variant.
Coding change: c.6121T>C on transcript NM_000059.4 (MANE Select); coding-DNA position 6121, T replaced by C.
Protein change: p.Ser2041Pro; replaces serine 2041 with proline.
Molecular consequence: missense variant.
Genome position (GRCh38, 1-based): chr13:32,340,476, T>C. VCF-style: chr13-32340476-T-C. GRCh37 (hg19) VCF-style: chr13-32914613-T-C.
Other names: short protein forms S2041P.
Identifiers: ClinVar variation 479375 (VCV000479375.16), dbSNP rs1160083526, ClinGen allele CA387788165.